The following is an entry in ClinVar:

NM_003108.4(SOX11):c.913G>T (p.Ala305Ser)

Gene: SOX11 (SRY-box transcription factor 11; plus strand). Cytogenetic location: 2p25.2.
Variant type: single nucleotide variant.
Coding change: c.913G>T on transcript NM_003108.4 (MANE Select); coding-DNA position 913, G replaced by T.
Protein change: p.Ala305Ser; replaces alanine 305 with serine.
Molecular consequence: missense variant.
Genome position (GRCh38, 1-based): chr2:5,693,634, G>T. VCF-style: chr2-5693634-G-T. GRCh37 (hg19) VCF-style: chr2-5833766-G-T.
Other names: short protein forms A305S.
Identifiers: ClinVar variation 2789884 (VCV002789884.3), dbSNP rs773641572, ClinGen allele CA1517947.
Genomic context (GRCh38, chr2:5,693,634, plus strand): 5'-GCGGAGTCCCCCGAGGGAGCGAGCCTCTACGACGAGGTGCGGGCCGGCGCGACCTCGGGC[G>T]CCGGGGGCGGCAGCCGCCTCTACTACAGCTTCAAGAACATCACCAAGCAGCACCCGCCGC-3'
Protein context (NP_003099.1, residues 295-315): DEVRAGATSG[Ala305Ser]GGGSRLYYSF

ClinVar aggregate classification (germline): Uncertain significance (1 of 4 stars; one submission).

gnomAD v4.1: 1 of 1,579,434 alleles (0.000063%); highest among the groups gnomAD compares: South Asian, 0.0011%; no homozygotes.

Submission:

Labcorp Genetics (formerly Invitae), Labcorp
Classification: Uncertain significance. Last evaluated: 2023-12-18. Review status: criteria provided, single submitter. Criteria: Invitae Variant Classification Sherloc (09022015). Collection method: clinical testing. Allele origin: germline.
Comment: This sequence change replaces alanine, which is neutral and non-polar, with serine, which is neutral and polar, at codon 305 of the SOX11 protein (p.Ala305Ser). The frequency data for this variant in the population databases is considered unreliable, as metrics indicate poor data quality at this position in the gnomAD database. This variant has not been reported in the literature in individuals affected with SOX11-related conditions. Advanced modeling of protein sequence and biophysical properties (such as structural, functional, and spatial information, amino acid conservation, physicochemical variation, residue mobility, and thermodynamic stability) performed at Invitae indicates that this missense variant is not expected to disrupt SOX11 protein function with a negative predictive value of 80%. In summary, the available evidence is currently insufficient to determine the role of this variant in disease. Therefore, it has been classified as a Variant of Uncertain Significance.